The following is an entry in ClinVar:

NM_001375380.1(EBF3):c.263C>T (p.Ala88Val)

Gene: EBF3 (EBF transcription factor 3; minus strand). Cytogenetic location: 10q26.3.
Variant type: single nucleotide variant.
Coding change: c.263C>T on transcript NM_001375380.1 (MANE Select); coding-DNA position 263, C replaced by T.
Protein change: p.Ala88Val; replaces alanine 88 with valine.
Molecular consequence: missense variant.
Genome position (GRCh38, 1-based): chr10:129,963,395, G>A on the plus strand (C>T on the coding strand, the complement: EBF3 is on the minus strand). VCF-style: chr10-129963395-G-A. GRCh37 (hg19) VCF-style: chr10-131761659-G-A.
Other names: c.263C>T, p.Ala88Val (NM_001005463.3, NM_001375379.1, NM_001375389.1 and 3 more transcripts); short protein forms A88V.
Identifiers: ClinVar variation 4538270 (VCV004538270.1).

ClinVar aggregate classification (germline): Uncertain significance (1 of 4 stars; one submission).

Submission:

Greenwood Genetic Center Diagnostic Laboratories, Greenwood Genetic Center
Classification: Uncertain significance. Last evaluated: 2025-05-29. Review status: criteria provided, single submitter. Criteria: ACMG Guidelines, 2015. Collection method: clinical testing. Allele origin: germline. Affected: yes.
Comment: PM2, PP2